The following is an entry in ClinVar:

NM_000179.3(MSH6):c.964G>A (p.Ala322Thr)

Gene: MSH6 (mutS homolog 6; plus strand). Cytogenetic location: 2p16.3.
Variant type: single nucleotide variant.
Coding change: c.964G>A on transcript NM_000179.3 (MANE Select); coding-DNA position 964, G replaced by A.
Protein change: p.Ala322Thr; replaces alanine 322 with threonine.
Molecular consequence: missense variant.
Genome position (GRCh38, 1-based): chr2:47,798,947, G>A. VCF-style: chr2-47798947-G-A. GRCh37 (hg19) VCF-style: chr2-48026086-G-A.
Other names: c.574G>A, p.Ala192Thr (NM_001281492.2); c.58G>A, p.Ala20Thr (NM_001281493.2, NM_001281494.2); short protein forms A192T, A20T, A322T.
Identifiers: ClinVar variation 1171739 (VCV001171739.9), dbSNP rs772126419, ClinGen allele CA073662.

ClinVar aggregate classification (germline): Conflicting classifications of pathogenicity. Review status: criteria provided, conflicting classifications (1 of 4 stars). 3 submissions from 3 submitters: Uncertain significance (1); Likely benign (2). Last evaluated 2025-08-31.

Conditions:
Hereditary cancer-predisposing syndrome. Also called: Tumor predisposition; Hereditary neoplastic syndrome; Hereditary Cancer Syndrome; Neoplastic Syndromes, Hereditary. Identifiers: Orphanet 140162, MedGen C0027672, MeSH D009386, MONDO:0015356.
Hereditary nonpolyposis colorectal neoplasms. Identifiers: MedGen C0009405, MeSH D003123.

Allele frequency attached by ClinVar (database versions not stated): gnomAD exomes below 0.00001; ExAC 0.00001.
gnomAD v4.1: 1 of 1,614,186 alleles (0.000062%); highest among the groups gnomAD compares: Non-Finnish European, 0.000085%; no homozygotes.

Submissions (3):

Ambry Genetics
Classification: Likely benign for Hereditary cancer-predisposing syndrome. Last evaluated: 2025-08-31. Review status: criteria provided, single submitter. Criteria: Ambry Variant Classification Scheme 2023. Collection method: clinical testing. Allele origin: germline.

Color Diagnostics, LLC DBA Color Health
Classification: Uncertain significance for Hereditary cancer-predisposing syndrome. Last evaluated: 2024-03-06. Review status: criteria provided, single submitter. Criteria: ACMG Guidelines, 2015. Collection method: clinical testing. Allele origin: germline.
Comment: This missense variant replaces alanine with threonine at codon 322 of the MSH6 protein. Computational prediction suggests that this variant may not impact protein structure and function (internally defined REVEL score threshold <= 0.5, PMID: 27666373). To our knowledge, functional studies have not been reported for this variant. This variant has not been reported in individuals affected with hereditary cancer in the literature. This variant has been identified in 1/251356 chromosomes in the general population by the Genome Aggregation Database (gnomAD). The available evidence is insufficient to determine the role of this variant in disease conclusively. Therefore, this variant is classified as a Variant of Uncertain Significance.

Labcorp Genetics (formerly Invitae), Labcorp
Classification: Likely benign for Hereditary nonpolyposis colorectal neoplasms. Last evaluated: 2023-01-18. Review status: criteria provided, single submitter. Criteria: Invitae Variant Classification Sherloc (09022015). Collection method: clinical testing. Allele origin: germline.